The following is an entry in ClinVar:

NM_001458.5(FLNC):c.6987C>T (p.Ala2329=)

Genes: FLNC (filamin C; plus strand), FLNC-AS1 (FLNC antisense RNA 1; minus strand). Cytogenetic location: 7q32.1.
Variant type: single nucleotide variant.
Coding change: c.6987C>T on transcript NM_001458.5 (MANE Select); coding-DNA position 6987, C replaced by T.
Protein change: p.Ala2329=; no amino-acid change (alanine 2329 retained).
Molecular consequence: synonymous variant.
Genome position (GRCh38, 1-based): chr7:128,854,672, C>T. VCF-style: chr7-128854672-C-T. GRCh37 (hg19) VCF-style: chr7-128494726-C-T.
Other names: c.6888C>T, p.Ala2296= (NM_001127487.2).
Identifiers: ClinVar variation 472147 (VCV000472147.47), dbSNP rs771037016, ClinGen allele CA4476124.

ClinVar aggregate classification (germline): Likely benign. Review status: criteria provided, multiple submitters, no conflicts (2 of 4 stars). 6 submissions from 6 submitters: Likely benign (5). 1 of the submissions does not count toward it. Last evaluated 2026-01-26.

Conditions:
Hypertrophic cardiomyopathy 26. Also called: Cardiomyopathy, familial hypertrophic, 26. Identifiers: Orphanet 75249, MedGen C4310749, MONDO:0014883, OMIM 617047.
Myofibrillar myopathy 5. Also called: Filaminopathy (type); FILAMINOPATHY, AUTOSOMAL DOMINANT. Identifiers: Orphanet 171445, MedGen C1836050, MONDO:0012289, OMIM 609524.
Distal myopathy with posterior leg and anterior hand involvement. Also called: WILLIAMS DISTAL MYOPATHY. Identifiers: Orphanet 63273, MedGen C3279722, MONDO:0013550, OMIM 614065.
Cardiovascular phenotype. Identifiers: MedGen CN230736.
FLNC-related disorder. Also called: FLNC-related condition; FLNC-related disorders.

Allele frequency attached by ClinVar (database versions not stated): gnomAD 0.00005 and 0.00006; gnomAD exomes 0.00007; TOPMed 0.00007; ExAC 0.00009.
gnomAD v4.1: 175 of 1,612,228 alleles (0.011%); highest among the groups gnomAD compares: Non-Finnish European, 0.014%; no homozygotes.

Submissions (6):

Labcorp Genetics (formerly Invitae), Labcorp
Classification: Likely benign for Distal myopathy with posterior leg and anterior hand involvement; Myofibrillar myopathy 5; Hypertrophic cardiomyopathy 26. Last evaluated: 2026-01-26. Review status: criteria provided, single submitter. Criteria: Invitae Variant Classification Sherloc (09022015). Collection method: clinical testing. Allele origin: germline.

Molecular Diagnostic Laboratory for Inherited Cardiovascular Disease, Montreal Heart Institute
Classification: Likely benign. Last evaluated: 2025-07-24. Review status: criteria provided, single submitter. Criteria: ACMG Guidelines, 2015. Collection method: clinical testing. Allele origin: germline. Affected: no.
Comment: BP7

CeGaT Center for Human Genetics Tuebingen
Classification: Likely benign. Last evaluated: 2025-06-01. Review status: criteria provided, single submitter. Criteria: CeGaT Center For Human Genetics Tuebingen Variant Classification Criteria Version 2. Collection method: clinical testing. Allele origin: germline. Affected: yes. Observed: 4 variant alleles.
Comment: FLNC: BP4, BP7

GeneDx
Classification: Likely benign. Last evaluated: 2021-10-28. Review status: criteria provided, single submitter. Criteria: GeneDx Variant Classification Process June 2021. Collection method: clinical testing. Allele origin: germline. Affected: yes.

Ambry Genetics
Classification: Likely benign for Cardiovascular phenotype. Last evaluated: 2019-12-13. Review status: criteria provided, single submitter. Criteria: Ambry Variant Classification Scheme 2023. Collection method: clinical testing. Allele origin: germline.

PreventionGenetics, part of Exact Sciences
Classification: Likely benign for FLNC-related condition. Last evaluated: 2019-08-29. Review status: no assertion criteria provided. Collection method: clinical testing. Allele origin: germline. Not counted in ClinVar's aggregate classification.
Comment: This variant is classified as likely benign based on ACMG/AMP sequence variant interpretation guidelines (Richards et al. 2015 PMID: 25741868, with internal and published modifications).